The following is an entry in ClinVar:

ClinVar aggregate classification (germline): Conflicting classifications of pathogenicity. Review status: criteria provided, conflicting classifications (1 of 4 stars). 6 submissions from 6 submitters: Uncertain significance (5); Benign (1). Last evaluated 2025-09-11.

Conditions:
Tuberous sclerosis 2 (TSC2). Identifiers: Orphanet 805, MedGen C1860707, MONDO:0013199, OMIM 613254.
Lymphangiomyomatosis (LAM). Also called: Lymphangioleiomyomatosis, somatic; Lymphangioleiomyomatosis. Identifiers: Orphanet 538, MedGen C0751674, MONDO:0011705, OMIM 606690.
Isolated focal cortical dysplasia type II (FCORD2). Also called: CORTICAL DYSPLASIA OF TAYLOR; Focal cortical dysplasia type II. Identifiers: Orphanet 268994, MedGen C1846385, MONDO:0011818, OMIM 607341, HP:0032051.
Tuberous sclerosis syndrome (TSC). Also called: Tuberous sclerosis; Tuberous Sclerosis Complex. Identifiers: Orphanet 805, MedGen C0041341, MONDO:0001734.
Hereditary cancer-predisposing syndrome. Also called: Neoplastic Syndromes, Hereditary; Hereditary Cancer Syndrome; Hereditary neoplastic syndrome; Tumor predisposition. Identifiers: Orphanet 140162, MedGen C0027672, MeSH D009386, MONDO:0015356.

gnomAD v4.1: 3 of 1,613,486 alleles (0.00019%); highest among the groups gnomAD compares: Non-Finnish European, 0.00025%; no homozygotes.

Submissions (6):

Ambry Genetics
Classification: Uncertain significance for Hereditary cancer-predisposing syndrome. Last evaluated: 2025-09-11. Review status: criteria provided, single submitter. Criteria: Ambry Variant Classification Scheme 2023. Collection method: clinical testing. Allele origin: germline.
Comment: The p.L629V variant (also known as c.1885C>G), located in coding exon 17 of the TSC2 gene, results from a C to G substitution at nucleotide position 1885. The leucine at codon 629 is replaced by valine, an amino acid with highly similar properties. This amino acid position is well conserved in available vertebrate species. In addition, the in silico prediction for this alteration is inconclusive. Since supporting evidence is limited at this time, the clinical significance of this alteration remains unclear.

Labcorp Genetics (formerly Invitae), Labcorp
Classification: Benign for Tuberous sclerosis 2. Last evaluated: 2025-04-07. Review status: criteria provided, single submitter. Criteria: Invitae Variant Classification Sherloc (09022015). Collection method: clinical testing. Allele origin: germline.

All of Us Research Program, National Institutes of Health
Classification: Uncertain significance for Tuberous sclerosis syndrome. Last evaluated: 2024-05-30. Review status: criteria provided, single submitter. Criteria: ACMG Guidelines, 2015. Collection method: clinical testing. Allele origin: germline. Inheritance: Autosomal dominant inheritance. Observed: 2 variant alleles, 2 heterozygotes.
Comment: This missense variant replaces leucine with valine at codon 629 of the TSC2 protein. Computational prediction is inconclusive regarding the impact of this variant on protein structure and function (internally defined REVEL score threshold 0.5 < inconclusive < 0.7, PMID: 27666373). To our knowledge, functional studies have not been reported for this variant. This variant has not been reported in individuals affected with tuberous sclerosis complex in the literature. This variant has been identified in 1/250540 chromosomes in the general population by the Genome Aggregation Database (gnomAD). The available evidence is insufficient to determine the role of this variant in disease conclusively. Therefore, this variant is classified as a Variant of Uncertain Significance.

This study involves interpretation of variants in research participants for the purpose of population health screening. Participant phenotype was not available at the time of variant classification. Additional details can be found in publication PMID: 35346344, PMCID: PMC8962531

Color Diagnostics, LLC DBA Color Health
Classification: Uncertain significance for Tuberous sclerosis syndrome. Last evaluated: 2024-03-06. Review status: criteria provided, single submitter. Criteria: ACMG Guidelines, 2015. Collection method: clinical testing. Allele origin: germline.
Comment: This missense variant replaces leucine with valine at codon 629 of the TSC2 protein. Computational prediction is inconclusive regarding the impact of this variant on protein structure and function. To our knowledge, functional studies have not been reported for this variant. This variant has not been reported in individuals affected with tuberous sclerosis complex in the literature. This variant has been identified in 1/250540 chromosomes in the general population by the Genome Aggregation Database (gnomAD). The available evidence is insufficient to determine the role of this variant in disease conclusively. Therefore, this variant is classified as a Variant of Uncertain Significance.

Fulgent Genetics
Classification: Uncertain significance for Lymphangiomyomatosis; Isolated focal cortical dysplasia type II; Tuberous sclerosis 2. Last evaluated: 2021-11-15. Review status: criteria provided, single submitter. Criteria: ACMG Guidelines, 2015. Collection method: clinical testing. Allele origin: unknown.

Genome-Nilou Lab
Classification: Uncertain significance for Tuberous sclerosis 2. Last evaluated: 2021-11-07. Review status: criteria provided, single submitter. Criteria: ACMG Guidelines, 2015. Collection method: clinical testing. Allele origin: germline. Affected: no.

NM_000548.5(TSC2):c.1885C>G (p.Leu629Val)

Gene: TSC2 (TSC complex subunit 2; plus strand). Cytogenetic location: 16p13.3.
Variant type: single nucleotide variant.
Coding change: c.1885C>G on transcript NM_000548.5 (MANE Select); coding-DNA position 1885, C replaced by G.
Protein change: p.Leu629Val; replaces leucine 629 with valine.
Molecular consequence: missense variant.
Genome position (GRCh38, 1-based): chr16:2,071,555, C>G. VCF-style: chr16-2071555-C-G. GRCh37 (hg19) VCF-style: chr16-2121556-C-G.
Other names: c.1885C>G, p.Leu629Val (NM_001077183.3, NM_001114382.3, NM_001363528.2 and 3 more transcripts); c.1774C>G, p.Leu592Val (NM_001318827.2); c.1738C>G, p.Leu580Val (NM_001318829.2); c.1285C>G, p.Leu429Val (NM_001318831.2); c.1918C>G, p.Leu640Val (NM_001318832.2); short protein forms L429V, L640V, L629V, L580V, L592V.
Identifiers: ClinVar variation 645127 (VCV000645127.19), dbSNP rs570409651, ClinGen allele CA394273125.